The following is an entry in ClinVar:

ClinVar aggregate classification (germline): Conflicting classifications of pathogenicity. Review status: criteria provided, conflicting classifications (1 of 4 stars). 5 submissions from 5 submitters: Uncertain significance (1); Likely benign (4). Last evaluated 2026-01-07.

Conditions:
PLEC-related disorder. Also called: PLEC-related disorders; PLEC-related condition.
Epidermolysis bullosa simplex with nail dystrophy (EBS5D). Identifiers: MedGen C4225309, MONDO:0014661, OMIM 616487.
Autosomal recessive limb-girdle muscular dystrophy type 2Q (LGMDR17). Also called: MUSCULAR DYSTROPHY, LIMB-GIRDLE, AUTOSOMAL RECESSIVE 17. Identifiers: Orphanet 254361, MedGen C3150989, MONDO:0013390, OMIM 613723.
Epidermolysis bullosa simplex 5C, with pyloric atresia (EBS5C). Also called: PLEC-Related Epidermolysis Bullosa with Pyloric Atresia; Epidermolysis bullosa simplex with pyloric atresia; PLEC1-Related Epidermolysis Bullosa with Pyloric Atresia. Identifiers: Orphanet 158684, MedGen C2677349, MONDO:0012807, OMIM 612138.
Epidermolysis bullosa simplex 5B, with muscular dystrophy (EBS5B). Also called: EPIDERMOLYSIS BULLOSA SIMPLEX AND LIMB-GIRDLE MUSCULAR DYSTROPHY; Epidermolysis bullosa simplex with muscular dystrophy. Identifiers: Orphanet 257, MedGen C2931072, MONDO:0009181, OMIM 226670.
Epidermolysis bullosa simplex, Ogna type (EBS5A). Also called: Pidermolysis bullosa simplex 5A, Ogna type; EPIDERMOLYSIS BULLOSA SIMPLEX 5A, OGNA TYPE. Identifiers: Orphanet 79401, MedGen C0432317, MONDO:0007555, OMIM 131950.

Allele frequency attached by ClinVar (database versions not stated): gnomAD 0.00014 and 0.00017; TOPMed 0.00015; 1000 Genomes Project 0.00020; ExAC 0.00025; gnomAD exomes 0.00027 and 0.00030; 1000 Genomes Project 30x 0.00031; ESP Exome Variant Server 0.00039.
gnomAD v4.1: 470 of 1,612,890 alleles (0.029%); highest among the groups gnomAD compares: Non-Finnish European, 0.036%; 1 homozygote.

Submissions (5):

Labcorp Genetics (formerly Invitae), Labcorp
Classification: Likely benign for Autosomal recessive limb-girdle muscular dystrophy type 2Q; Epidermolysis bullosa simplex, Ogna type; Epidermolysis bullosa simplex with nail dystrophy; Epidermolysis bullosa simplex 5C, with pyloric atresia; Epidermolysis bullosa simplex 5B, with muscular dystrophy. Last evaluated: 2026-01-07. Review status: criteria provided, single submitter. Criteria: Invitae Variant Classification Sherloc (09022015). Collection method: clinical testing. Allele origin: germline.

PreventionGenetics, part of Exact Sciences
Classification: Likely benign for PLEC-related condition. Last evaluated: 2025-06-18. Review status: criteria provided, single submitter. Criteria: ACMG Guidelines, 2015. Collection method: clinical testing. Allele origin: germline.
Comment: This variant is classified as likely benign based on ACMG/AMP sequence variant interpretation guidelines (Richards et al. 2015 PMID: 25741868, with internal and published modifications).

Blueprint Genetics
Classification: Likely benign. Last evaluated: 2024-10-14. Review status: criteria provided, single submitter. Criteria: ACMG Guidelines, 2015. Collection method: clinical testing. Allele origin: germline.

GeneDx
Classification: Likely benign. Last evaluated: 2016-11-15. Review status: criteria provided, single submitter. Criteria: GeneDx Variant Classification (06012015). Collection method: clinical testing. Allele origin: germline. Affected: yes.
Comment: This variant is considered likely benign or benign based on one or more of the following criteria: it is a conservative change, it occurs at a poorly conserved position in the protein, it is predicted to be benign by multiple in silico algorithms, and/or has population frequency not consistent with disease.

Eurofins Ntd Llc (ga)
Classification: Uncertain significance. Last evaluated: 2016-06-09. Review status: criteria provided, single submitter. Criteria: EGL Classification Definitions 2015. Collection method: clinical testing. Allele origin: germline. Observed: 1 variant allele, 1 heterozygote.

NM_201384.3(PLEC):c.772C>T (p.Leu258=)

Gene: PLEC (plectin; minus strand). Cytogenetic location: 8q24.3.
Variant type: single nucleotide variant.
Coding change: c.772C>T on transcript NM_201384.3 (MANE Select); coding-DNA position 772, C replaced by T.
Protein change: p.Leu258=; no amino-acid change (leucine 258 retained).
Molecular consequence: synonymous variant.
Genome position (GRCh38, 1-based): chr8:143,935,064, G>A on the plus strand (C>T on the coding strand, the complement: PLEC is on the minus strand). VCF-style: chr8-143935064-G-A. GRCh37 (hg19) VCF-style: chr8-145009232-G-A.
Other names: c.853C>T, p.Leu285= (NM_000445.5); c.730C>T, p.Leu244= (NM_201378.4); c.706C>T, p.Leu236= (NM_201379.3); c.1183C>T, p.Leu395= (NM_201380.4); c.676C>T, p.Leu226= (NM_201381.3); c.772C>T, p.Leu258= (NM_201382.4); c.784C>T, p.Leu262= (NM_201383.3).
Identifiers: ClinVar variation 281693 (VCV000281693.16), dbSNP rs372233686, ClinGen allele CA4928321.
Genomic context (GRCh38, chr8:143,935,064, plus strand): 5'-CACTCACGTTGGCCCTCACCCCATCCTGCACGTCCGGCACGCGGGGCATGGCGTCATACA[G>A]CGACGAGACGTAGGTGATGATGGACTTCTCGTCGGGCTGAGGGACATCCACGTCTGCAGG-3'
Protein context (NP_958786.1, residues 248-268): EKSIITYVSS[Leu258=]YDAMPRVPDV